The following is an entry in ClinVar:

ClinVar aggregate classification (germline): Uncertain significance. Review status: criteria provided, multiple submitters, no conflicts (2 of 4 stars). 2 submissions from 2 submitters: Uncertain significance (2). Last evaluated 2026-07-07.

Conditions:
Inborn genetic diseases. Identifiers: MedGen C0950123, MeSH D030342.
Drash syndrome (DDS). Also called: NEPHROPATHY, WILMS TUMOR, AND GENITAL ANOMALIES; WILMS TUMOR AND PSEUDO- OR TRUE HERMAPHRODITISM. Identifiers: Orphanet 220, MedGen C0950121, MONDO:0008682, OMIM 194080.
Wilms tumor 1 (WT1). Also called: Wilms tumor, somatic. Identifiers: Orphanet 654, MedGen CN033288, MONDO:0008679, OMIM 194070.
11p partial monosomy syndrome (WAGR). Also called: WAGR Complex; WAGR Spectrum Disorder; CHROMOSOME 11p13 DELETION SYNDROME; WAGR syndrome. Identifiers: Orphanet 893, MedGen C0206115, MONDO:0008681, OMIM 194072.
Frasier syndrome. Identifiers: Orphanet 347, MedGen C0950122, MeSH D052159, MONDO:0007635, OMIM 136680.

Submissions (2):

Ambry Genetics
Classification: Uncertain significance for Inborn genetic diseases. Last evaluated: 2026-07-07. Review status: criteria provided, single submitter. Criteria: Ambry Variant Classification Scheme 2023. Collection method: clinical testing. Allele origin: germline.
Comment: The p.P288S variant (also known as c.862C>T), located in coding exon 3 of the WT1 gene, results from a C to T substitution at nucleotide position 862. The proline at codon 288 is replaced by serine, an amino acid with similar properties. This amino acid position is conserved. In addition, this alteration is predicted to be deleterious by in silico analysis. Based on the available evidence, the clinical significance of this variant remains unclear.

Labcorp Genetics (formerly Invitae), Labcorp
Classification: Uncertain significance for Wilms tumor 1; Drash syndrome; 11p partial monosomy syndrome; Frasier syndrome. Last evaluated: 2023-07-31. Review status: criteria provided, single submitter. Criteria: Invitae Variant Classification Sherloc (09022015). Collection method: clinical testing. Allele origin: germline.
Comment: An algorithm developed to predict the effect of missense changes on protein structure and function (PolyPhen-2) suggests that this variant is likely to be disruptive. This sequence change replaces proline, which is neutral and non-polar, with serine, which is neutral and polar, at codon 288 of the WT1 protein (p.Pro288Ser). This variant is not present in population databases (gnomAD no frequency). This variant has not been reported in the literature in individuals affected with WT1-related conditions. In summary, the available evidence is currently insufficient to determine the role of this variant in disease. Therefore, it has been classified as a Variant of Uncertain Significance.

NM_024426.6(WT1):c.877C>T (p.Pro293Ser)

Gene: WT1 (WT1 transcription factor; minus strand). Cytogenetic location: 11p13.
Variant type: single nucleotide variant.
Coding change: c.877C>T on transcript NM_024426.6 (MANE Select); coding-DNA position 877, C replaced by T.
Protein change: p.Pro293Ser; replaces proline 293 with serine.
Molecular consequence: missense variant. On other transcripts: non-coding transcript variant (2).
Genome position (GRCh38, 1-based): chr11:32,427,966, G>A on the plus strand (C>T on the coding strand, the complement: WT1 is on the minus strand). VCF-style: chr11-32427966-G-A. GRCh37 (hg19) VCF-style: chr11-32449512-G-A.
Other names: c.862C>T (NM_024426.4); c.877C>T, p.Pro293Ser (NM_000378.6, NM_001407044.1, NM_001407045.1 and 4 more transcripts); c.226C>T, p.Pro76Ser (NM_001198551.2, NM_001198552.2); c.754C>T, p.Pro252Ser (NM_001407047.1, NM_001407050.1); c.115C>T, p.Pro39Ser (NM_001407051.1); c.862C>T, p.Pro288Ser (NM_024425.2); short protein forms P76S, P288S, P39S, P252S, P293S.
Identifiers: ClinVar variation 2927563 (VCV002927563.4), dbSNP rs2494424742, ClinGen allele CA379962816.
Genomic context (GRCh38, chr11:32,427,966, plus strand): 5'-TCCCCTCCGGGGTCCCAAGGACCCAGACGCAGAGCCCAGCGCCTTCCTACCTGCTGTAGG[G>A]CGTCCTCAGCAGCAAAGCCTGGCTGCCGGTGCAGCTGTCGGTGGGGGTGTGGCAGCCATA-3'
Protein context (NP_077744.4, residues 283-303): TGSQALLLRT[Pro293Ser]YSSDNLYQMT